The following is an entry in ClinVar:

NM_001042492.3(NF1):c.2490C>T (p.Asp830=)

Gene: NF1 (neurofibromin 1; plus strand). Cytogenetic location: 17q11.2.
Variant type: single nucleotide variant.
Coding change: c.2490C>T on transcript NM_001042492.3 (MANE Select); coding-DNA position 2490, C replaced by T.
Protein change: p.Asp830=; no amino-acid change (aspartic acid 830 retained).
Molecular consequence: synonymous variant.
Genome position (GRCh38, 1-based): chr17:31,229,105, C>T. VCF-style: chr17-31229105-C-T. GRCh37 (hg19) VCF-style: chr17-29556123-C-T.
Other names: c.2490C>T, p.Asp830= (NM_000267.4).
Identifiers: ClinVar variation 184700 (VCV000184700.15), dbSNP rs786201629, ClinGen allele CA189755.

ClinVar aggregate classification (germline): Benign/Likely benign. Review status: criteria provided, multiple submitters, no conflicts (2 of 4 stars). 6 submissions from 6 submitters: Benign (1); Likely benign (5). Last evaluated 2026-05-18.

Conditions:
Hereditary cancer-predisposing syndrome. Also called: Tumor predisposition; Hereditary neoplastic syndrome; Neoplastic Syndromes, Hereditary; Hereditary Cancer Syndrome. Identifiers: Orphanet 140162, MedGen C0027672, MeSH D009386, MONDO:0015356.
Neurofibromatosis, type 1 (NF1). Also called: Neurofibromatosis, type I; NEUROFIBROMATOSIS, TYPE I, SOMATIC; VON RECKLINGHAUSEN DISEASE; Peripheral type neurofibromatosis. Identifiers: Orphanet 636, MedGen C0027831, MONDO:0018975, OMIM 162200. Disease mechanism: loss of function.

Allele frequency attached by ClinVar (database versions not stated): gnomAD 0.00001; gnomAD exomes below 0.00001; TOPMed 0.00001.
gnomAD v4.1: 5 of 1,611,740 alleles (0.00031%); highest among the groups gnomAD compares: Non-Finnish European, 0.00042%; no homozygotes.

Submissions (6):

Myriad Genetics, Inc.
Classification: Benign for Neurofibromatosis, type 1. Last evaluated: 2026-05-18. Review status: criteria provided, single submitter. Criteria: Myriad Autosomal Dominant, Autosomal Recessive and X-Linked Classification Criteria (2023). Collection method: clinical testing. Allele origin: unknown.
Comment: This variant is considered benign. This variant is a silent/synonymous amino acid change and it is not expected to impact splicing.

Labcorp Genetics (formerly Invitae), Labcorp
Classification: Likely benign for Neurofibromatosis, type 1. Last evaluated: 2026-01-14. Review status: criteria provided, single submitter. Criteria: Invitae Variant Classification Sherloc (09022015). Collection method: clinical testing. Allele origin: germline.

Women's Health and Genetics/Laboratory Corporation of America, LabCorp
Classification: Likely benign. Last evaluated: 2023-08-31. Review status: criteria provided, single submitter. Criteria: LabCorp Variant Classification Summary - May 2015. Collection method: clinical testing. Allele origin: germline.

Genome-Nilou Lab
Classification: Likely benign for Neurofibromatosis, type 1. Last evaluated: 2022-03-15. Review status: criteria provided, single submitter. Criteria: ACMG Guidelines, 2015. Collection method: clinical testing. Allele origin: germline. Affected: no.

GeneDx
Classification: Likely benign. Last evaluated: 2021-09-01. Review status: criteria provided, single submitter. Criteria: GeneDx Variant Classification Process June 2021. Collection method: clinical testing. Allele origin: germline. Affected: yes.

Ambry Genetics
Classification: Likely benign for Hereditary cancer-predisposing syndrome. Last evaluated: 2015-12-17. Review status: criteria provided, single submitter. Criteria: Ambry Autosomal Dominant and X-Linked criteria (10/2015). Collection method: clinical testing. Allele origin: germline. Observed: 1 variant allele.

Literature cited by the submitters: PubMed 10678181 (cited by Women's Health and Genetics/Laboratory Corporation of America, LabCorp); PubMed 23460398 (cited by Women's Health and Genetics/Laboratory Corporation of America, LabCorp); PubMed 29872168 (cited by Women's Health and Genetics/Laboratory Corporation of America, LabCorp).